The following is an entry in ClinVar:

ClinVar aggregate classification (germline): Uncertain significance. Review status: criteria provided, multiple submitters, no conflicts (2 of 4 stars). 2 submissions from 2 submitters: Uncertain significance (2). Last evaluated 2023-10-12.

Submissions (2):

Women's Health and Genetics/Laboratory Corporation of America, LabCorp
Classification: Uncertain significance. Last evaluated: 2023-10-12. Review status: criteria provided, single submitter. Criteria: LabCorp Variant Classification Summary - May 2015. Collection method: clinical testing. Allele origin: germline.
Comment: Variant summary: COL4A1 c.4994G>A (p.Cys1665Tyr) results in a non-conservative amino acid change located in the Collagen IV, non-collagenous domain of the encoded protein sequence. Five of five in-silico tools predict a damaging effect of the variant on protein function. The variant was absent in 250746 control chromosomes. The available data on variant occurrences in the general population are insufficient to allow any conclusion about variant significance. To our knowledge, no occurrence of c.4994G>A in individuals affected with Porencephaly 1 and no experimental evidence demonstrating its impact on protein function have been reported. One submitter has cited clinical-significance assessments for this variant to ClinVar after 2014 and has classified the variant as uncertain significance. Based on the evidence outlined above, the variant was classified as uncertain significance.

Eurofins Ntd Llc (ga)
Classification: Uncertain significance. Last evaluated: 2015-03-24. Review status: criteria provided, single submitter. Criteria: EGL Classification Definitions 2015. Collection method: clinical testing. Allele origin: germline. Observed: 1 variant allele, 1 heterozygote.

NM_001845.6(COL4A1):c.4994G>A (p.Cys1665Tyr)

Gene: COL4A1 (collagen type IV alpha 1 chain; minus strand). Cytogenetic location: 13q34.
Variant type: single nucleotide variant.
Coding change: c.4994G>A on transcript NM_001845.6 (MANE Select); coding-DNA position 4994, G replaced by A.
Protein change: p.Cys1665Tyr; replaces cysteine 1665 with tyrosine.
Molecular consequence: missense variant.
Genome position (GRCh38, 1-based): chr13:110,150,379, C>T on the plus strand (G>A on the coding strand, the complement: COL4A1 is on the minus strand). VCF-style: chr13-110150379-C-T. GRCh37 (hg19) VCF-style: chr13-110802726-C-T.
Other names: short protein forms C1665Y.
Identifiers: ClinVar variation 197934 (VCV000197934.6), dbSNP rs794727751, ClinGen allele CA246327.